The following is an entry in ClinVar:

NM_000081.4(LYST):c.9161C>T (p.Ser3054Leu)

Gene: LYST (lysosomal trafficking regulator; minus strand). Cytogenetic location: 1q42.3.
Variant type: single nucleotide variant.
Coding change: c.9161C>T on transcript NM_000081.4 (MANE Select); coding-DNA position 9161, C replaced by T.
Protein change: p.Ser3054Leu; replaces serine 3054 with leucine.
Molecular consequence: missense variant.
Genome position (GRCh38, 1-based): chr1:235,728,077, G>A on the plus strand (C>T on the coding strand, the complement: LYST is on the minus strand). VCF-style: chr1-235728077-G-A. GRCh37 (hg19) VCF-style: chr1-235891377-G-A.
Other names: c.9161C>T, p.Ser3054Leu (NM_001301365.1); short protein forms S3054L.
Identifiers: ClinVar variation 3121755 (VCV003121755.2), dbSNP rs368896974, ClinGen allele CA1465663.

ClinVar aggregate classification (germline): Uncertain significance. Review status: criteria provided, multiple submitters, no conflicts (2 of 4 stars). 2 submissions from 2 submitters: Uncertain significance (2). Last evaluated 2025-05-08.

Conditions:
Inborn genetic diseases. Identifiers: MedGen C0950123, MeSH D030342.
Chédiak-Higashi syndrome (CHS). Also called: Chediak-Higashi Syndrome. Identifiers: Orphanet 167, MedGen C0007965, MONDO:0008963, OMIM 214500.

Allele frequency attached by ClinVar (database versions not stated): ExAC 0.00002; TOPMed 0.00002; ESP Exome Variant Server 0.00008.
gnomAD v4.1: 6 of 1,609,634 alleles (0.00037%); highest among the groups gnomAD compares: Non-Finnish European, 0.00051%; no homozygotes.

Submissions (2):

Labcorp Genetics (formerly Invitae), Labcorp
Classification: Uncertain significance for Chédiak-Higashi syndrome. Last evaluated: 2025-05-08. Review status: criteria provided, single submitter. Criteria: Invitae Variant Classification Sherloc (09022015). Collection method: clinical testing. Allele origin: germline.
Comment: This sequence change replaces serine, which is neutral and polar, with leucine, which is neutral and non-polar, at codon 3054 of the LYST protein (p.Ser3054Leu). This variant is present in population databases (rs368896974, gnomAD 0.002%). This variant has not been reported in the literature in individuals affected with LYST-related conditions. ClinVar contains an entry for this variant (Variation ID: 3121755). An algorithm developed to predict the effect of missense changes on protein structure and function (PolyPhen-2) suggests that this variant is likely to be disruptive. In summary, the available evidence is currently insufficient to determine the role of this variant in disease. Therefore, it has been classified as a Variant of Uncertain Significance.

Ambry Genetics
Classification: Uncertain significance for Inborn genetic diseases. Last evaluated: 2023-10-20. Review status: criteria provided, single submitter. Criteria: Ambry Variant Classification Scheme 2023. Collection method: clinical testing. Allele origin: germline.